The following is an entry in ClinVar:

NM_030813.6(CLPB):c.675C>A (p.His225Gln)

Gene: CLPB (ClpB family mitochondrial disaggregase; minus strand). Cytogenetic location: 11q13.4.
Variant type: single nucleotide variant.
Coding change: c.675C>A on transcript NM_030813.6 (MANE Plus Clinical); coding-DNA position 675, C replaced by A.
Protein change: p.His225Gln; replaces histidine 225 with glutamine.
Molecular consequence: missense variant. On other transcripts: intron variant (2).
Genome position (GRCh38, 1-based): chr11:72,372,986, G>T on the plus strand (C>A on the coding strand, the complement: CLPB is on the minus strand). VCF-style: chr11-72372986-G-T. GRCh37 (hg19) VCF-style: chr11-72084030-G-T.
Other names: c.540C>A, p.His180Gln (NM_001258394.3); c.559+7295C>A (NM_001258393.3); c.646+7295C>A (NM_001258392.3); short protein forms H180Q, H225Q.
Identifiers: ClinVar variation 1053854 (VCV001053854.13), dbSNP rs2135658006, ClinGen allele CA381962526.

ClinVar aggregate classification (germline): Uncertain significance (1 of 4 stars; one submission).

Conditions:
3-methylglutaconic aciduria, type VIIB (MGCA7B). Also called: 3-methylglutaconic aciduria, type VII, with cataracts, neurologic involvement and neutropenia; 3-methylglutaconic aciduria with cataracts, neurologic involvement and neutropenia; CLPB Deficiency. Identifiers: Orphanet 445038, MedGen C5676893, MONDO:0014561, OMIM 616271.

Submission:

Labcorp Genetics (formerly Invitae), Labcorp
Classification: Uncertain significance for 3-methylglutaconic aciduria, type VIIB. Last evaluated: 2022-03-19. Review status: criteria provided, single submitter. Criteria: Invitae Variant Classification Sherloc (09022015). Collection method: clinical testing. Allele origin: germline.
Comment: This variant has not been reported in the literature in individuals affected with CLPB-related conditions. In summary, the available evidence is currently insufficient to determine the role of this variant in disease. Therefore, it has been classified as a Variant of Uncertain Significance. Algorithms developed to predict the effect of missense changes on protein structure and function (SIFT, PolyPhen-2, Align-GVGD) all suggest that this variant is likely to be tolerated. ClinVar contains an entry for this variant (Variation ID: 1053854). This variant is not present in population databases (gnomAD no frequency). This sequence change replaces histidine, which is basic and polar, with glutamine, which is neutral and polar, at codon 225 of the CLPB protein (p.His225Gln).